The following is an entry in ClinVar:

ClinVar aggregate classification (germline): Uncertain significance (1 of 4 stars; one submission).

Allele frequency attached by ClinVar (database versions not stated): gnomAD 0.00001; TOPMed 0.00001; ExAC 0.00003.
gnomAD v4.1: 32 of 1,586,656 alleles (0.002%); highest among the groups gnomAD compares: Non-Finnish European, 0.0027%; no homozygotes.

Submission:

Labcorp Genetics (formerly Invitae), Labcorp
Classification: Uncertain significance. Last evaluated: 2022-09-01. Review status: criteria provided, single submitter. Criteria: Invitae Variant Classification Sherloc (09022015). Collection method: clinical testing. Allele origin: germline.
Comment: In summary, the available evidence is currently insufficient to determine the role of this variant in disease. Therefore, it has been classified as a Variant of Uncertain Significance. Advanced modeling of protein sequence and biophysical properties (such as structural, functional, and spatial information, amino acid conservation, physicochemical variation, residue mobility, and thermodynamic stability) performed at Invitae indicates that this missense variant is not expected to disrupt COMP protein function. This variant has not been reported in the literature in individuals affected with COMP-related conditions. This variant is present in population databases (rs759953553, gnomAD 0.002%). This sequence change replaces serine, which is neutral and polar, with asparagine, which is neutral and polar, at codon 24 of the COMP protein (p.Ser24Asn).

NM_000095.3(COMP):c.71G>A (p.Ser24Asn)

Gene: COMP (cartilage oligomeric matrix protein; minus strand). Cytogenetic location: 19p13.11.
Variant type: single nucleotide variant.
Coding change: c.71G>A on transcript NM_000095.3 (MANE Select); coding-DNA position 71, G replaced by A.
Protein change: p.Ser24Asn; replaces serine 24 with asparagine.
Molecular consequence: missense variant.
Genome position (GRCh38, 1-based): chr19:18,791,199, C>T on the plus strand (G>A on the coding strand, the complement: COMP is on the minus strand). VCF-style: chr19-18791199-C-T. GRCh37 (hg19) VCF-style: chr19-18902008-C-T.
Other names: short protein forms S24N.
Identifiers: ClinVar variation 1911976 (VCV001911976.5), dbSNP rs759953553, ClinGen allele CA9316852.
Genomic context (GRCh38, chr19:18,791,199, plus strand): 5'-CTACAGTCCGTTGTGGGGCCGTGGGCACGGCGCGGGTGCTAACGCGGCTTACCCAACGGG[C>T]TCTGGCCCTGTCCGGACGCGCCGAGGGCAGCCAGGGTGAGCAGAAGAACGCAGGCGGTGT-3'
Protein context (NP_000086.2, residues 14-34): AALGASGQGQ[Ser24Asn]PLGSDLGPQM